The following is an entry in ClinVar:

ClinVar aggregate classification (germline): Uncertain significance. Review status: criteria provided, multiple submitters, no conflicts (2 of 4 stars). 5 submissions from 5 submitters: Uncertain significance (3). 2 of the submissions do not count toward it. Last evaluated 2026-02-26.

Conditions:
Retinitis pigmentosa (RP). Identifiers: Orphanet 791, MedGen C0035334, MeSH D012174, MONDO:0019200, OMIM 268000. Inheritance: Autosomal dominant, autosomal recessive and X linked inheritance.
Usher syndrome type 2A. Also called: USHER SYNDROME, TYPE IIA; RETINAL DISEASE IN USHER SYNDROME TYPE IIA, MODIFIER OF. Identifiers: Orphanet 231178, Orphanet 886, MedGen C1848634, MONDO:0010169, OMIM 276901.

Allele frequency attached by ClinVar (database versions not stated): TOPMed 0.00001; ExAC 0.00002; gnomAD exomes 0.00004.
gnomAD v4.1: 32 of 1,613,616 alleles (0.002%); highest among the groups gnomAD compares: Middle Eastern, 0.033%; no homozygotes.

Submissions (5):

GeneDx
Classification: Uncertain significance. Last evaluated: 2026-02-26. Review status: criteria provided, single submitter. Criteria: GeneDx Variant Classification Process June 2021. Collection method: clinical testing. Allele origin: germline.
Comment: Reported with additional variants in patients with features of USH2A-related disorders in published literature; familial testing of one parent suggests one variant is present on the opposite allele (in trans) and one variant is present on the same allele (in cis) (PMID: 27032803, 29912909); In silico analysis supports that this missense variant has a deleterious effect on protein structure/function; This variant is associated with the following publications: (PMID: 31964843, 27032803, 31456290, 34327195, 29912909)

Blueprint Genetics
Classification: Uncertain significance. Last evaluated: 2024-05-22. Review status: criteria provided, single submitter. Criteria: ACMG Guidelines, 2015. Collection method: clinical testing. Allele origin: germline.

Labcorp Genetics (formerly Invitae), Labcorp
Classification: Uncertain significance. Last evaluated: 2022-08-16. Review status: criteria provided, single submitter. Criteria: Invitae Variant Classification Sherloc (09022015). Collection method: clinical testing. Allele origin: germline.
Comment: This sequence change replaces glycine, which is neutral and non-polar, with cysteine, which is neutral and slightly polar, at codon 252 of the USH2A protein (p.Gly252Cys). This variant is present in population databases (rs777682016, gnomAD 0.03%). This missense change has been observed in individual(s) with retinitis pigmentosa and/or Usher syndrome (PMID: 27032803, 29912909). ClinVar contains an entry for this variant (Variation ID: 812462). Algorithms developed to predict the effect of missense changes on protein structure and function are either unavailable or do not agree on the potential impact of this missense change (SIFT: "Deleterious"; PolyPhen-2: "Probably Damaging"; Align-GVGD: "Class C0"). In summary, the available evidence is currently insufficient to determine the role of this variant in disease. Therefore, it has been classified as a Variant of Uncertain Significance.

Natera, Inc.
Classification: Uncertain significance for Usher syndrome type 2A. Last evaluated: 2020-02-17. Review status: no assertion criteria provided. Collection method: clinical testing. Allele origin: germline. Not counted in ClinVar's aggregate classification.

Sharon lab, Hadassah-Hebrew University Medical Center
Classification: Likely pathogenic for Retinitis pigmentosa. Last evaluated: 2019-06-23. Review status: no assertion criteria provided. Collection method: research. Allele origin: inherited. Affected: yes. Not counted in ClinVar's aggregate classification.

Literature cited by the submitters: PubMed 27032803 (cited by Labcorp Genetics (formerly Invitae), Labcorp); PubMed 29912909 (cited by Labcorp Genetics (formerly Invitae), Labcorp).

NM_206933.4(USH2A):c.754G>T (p.Gly252Cys)

Gene: USH2A (usherin; minus strand). Cytogenetic location: 1q41.
Variant type: single nucleotide variant.
Coding change: c.754G>T on transcript NM_206933.4 (MANE Select); coding-DNA position 754, G replaced by T.
Protein change: p.Gly252Cys; replaces glycine 252 with cysteine.
Molecular consequence: missense variant.
Genome position (GRCh38, 1-based): chr1:216,364,983, C>A on the plus strand (G>T on the coding strand, the complement: USH2A is on the minus strand). VCF-style: chr1-216364983-C-A. GRCh37 (hg19) VCF-style: chr1-216538325-C-A.
Other names: c.754G>T, p.Gly252Cys (NM_007123.6); short protein forms G252C.
Identifiers: ClinVar variation 812462 (VCV000812462.7), dbSNP rs777682016, ClinGen allele CA1396708.